The following is an entry in ClinVar:

NM_000252.3(MTM1):c.590C>T (p.Thr197Ile)

Gene: MTM1 (myotubularin 1; plus strand). Cytogenetic location: Xq28.
Variant type: single nucleotide variant.
Coding change: c.590C>T on transcript NM_000252.3 (MANE Select); coding-DNA position 590, C replaced by T.
Protein change: p.Thr197Ile; replaces threonine 197 with isoleucine.
Molecular consequence: missense variant.
Genome position (GRCh38, 1-based): chrX:150,641,330, C>T. VCF-style: chrX-150641330-C-T. GRCh37 (hg19) VCF-style: chrX-149809803-C-T.
Other names: c.590C>T, p.Thr197Ile (NM_001376906.1, NM_001376908.1); c.479C>T, p.Thr160Ile (NM_001376907.1); short protein forms T160I, T197I.
Identifiers: ClinVar variation 1459032 (VCV001459032.9), dbSNP rs2148488506, ClinGen allele CA415256089.

ClinVar aggregate classification (germline): Conflicting classifications of pathogenicity. Review status: criteria provided, conflicting classifications (1 of 4 stars). 2 submissions from 2 submitters: Pathogenic (1); Uncertain significance (1). Last evaluated 2026-01-19.

Conditions:
Severe X-linked myotubular myopathy (CNMX). Also called: Myotubular myopathy, X-linked; MYOTUBULAR MYOPATHY 1; X-linked centronuclear myopathy. Identifiers: Orphanet 596, MedGen C0410203, MONDO:0010683, OMIM 310400.

Submissions (2):

Institute of Immunology and Genetics Kaiserslautern
Classification: Uncertain significance for Severe X-linked myotubular myopathy. Last evaluated: 2026-01-19. Review status: criteria provided, single submitter. Criteria: ACMG Guidelines, 2015. Collection method: clinical testing. Allele origin: germline. Affected: yes.
Comment: ACMG Criteria: PM2_P, PP3; Variant was found in hemizygous state.

Labcorp Genetics (formerly Invitae), Labcorp
Classification: Pathogenic for Severe X-linked myotubular myopathy. Last evaluated: 2022-07-25. Review status: criteria provided, single submitter. Criteria: Invitae Variant Classification Sherloc (09022015). Collection method: clinical testing. Allele origin: germline.
Comment: For these reasons, this variant has been classified as Pathogenic. Algorithms developed to predict the effect of missense changes on protein structure and function are either unavailable or do not agree on the potential impact of this missense change (SIFT: "Deleterious"; PolyPhen-2: "Probably Damaging"; Align-GVGD: "Class C0"). ClinVar contains an entry for this variant (Variation ID: 1459032). This missense change has been observed in individual(s) with MTM1-related myopathy (PMID: 10790201, 12031625, 25957634). In at least one individual the variant was observed to be de novo. This variant is not present in population databases (gnomAD no frequency). This sequence change replaces threonine, which is neutral and polar, with isoleucine, which is neutral and non-polar, at codon 197 of the MTM1 protein (p.Thr197Ile).

Literature cited by the submitters: PubMed 10790201 (cited by Labcorp Genetics (formerly Invitae), Labcorp); PubMed 12031625 (cited by Labcorp Genetics (formerly Invitae), Labcorp); PubMed 25957634 (cited by Labcorp Genetics (formerly Invitae), Labcorp).